The following is an entry in ClinVar:

ClinVar aggregate classification (germline): Likely benign. Review status: criteria provided, multiple submitters, no conflicts (2 of 4 stars). 3 submissions from 3 submitters: Likely benign (3). Last evaluated 2025-11-19.

Conditions:
Hereditary cancer-predisposing syndrome. Also called: Neoplastic Syndromes, Hereditary; Hereditary Cancer Syndrome; Hereditary neoplastic syndrome; Tumor predisposition. Identifiers: Orphanet 140162, MedGen C0027672, MeSH D009386, MONDO:0015356.
Ataxia-telangiectasia syndrome (AT). Also called: LOUIS-BAR SYNDROME; Ataxia-telangiectasia, complementation group E; Ataxia-telangiectasia, complementation group D; AT, COMPLEMENTATION GROUP C; Ataxia telangiectasia (A-T); Cerebello-oculocutaneous telangiectasia. Identifiers: Orphanet 100, MedGen C0004135, MONDO:0008840, OMIM 208900.
Familial cancer of breast. Also called: hereditary breast carcinoma; BREAST CANCER, FAMILIAL; Hereditary breast cancer. Identifiers: Orphanet 227535, MedGen C0346153, MONDO:0016419, OMIM 114480. Disease mechanism: loss of function.

Submissions (3):

Labcorp Genetics (formerly Invitae), Labcorp
Classification: Likely benign for Ataxia-telangiectasia syndrome. Last evaluated: 2025-11-19. Review status: criteria provided, single submitter. Criteria: Invitae Variant Classification Sherloc (09022015). Collection method: clinical testing. Allele origin: germline.

Myriad Genetics, Inc.
Classification: Likely benign for Familial cancer of breast. Last evaluated: 2024-05-22. Review status: criteria provided, single submitter. Criteria: Myriad Autosomal Dominant, Autosomal Recessive and X-Linked Classification Criteria (2023). Collection method: clinical testing. Allele origin: unknown.
Comment: This variant is considered likely benign. This variant is intronic and is not expected to impact mRNA splicing.

Ambry Genetics
Classification: Likely benign for Hereditary cancer-predisposing syndrome. Last evaluated: 2022-12-19. Review status: criteria provided, single submitter. Criteria: Ambry Variant Classification Scheme 2023. Collection method: clinical testing. Allele origin: germline.

NM_000051.4(ATM):c.5006-4G>A

Gene: ATM (ATM serine/threonine kinase; plus strand). Cytogenetic location: 11q22.3.
Variant type: single nucleotide variant.
Coding change: c.5006-4G>A on transcript NM_000051.4 (MANE Select); 4 bases into the intron before coding-DNA position 5006, G replaced by A.
Molecular consequence: intron variant.
Genome position (GRCh38, 1-based): chr11:108,299,710, G>A. VCF-style: chr11-108299710-G-A. GRCh37 (hg19) VCF-style: chr11-108170437-G-A.
Other names: c.5006-4G>A (NM_001351834.2).
Identifiers: ClinVar variation 645723 (VCV000645723.11), dbSNP rs1591701752, ClinGen allele CA915944430.